The following is an entry in ClinVar:

NM_015335.5(MED13L):c.5615G>A (p.Arg1872His)

Gene: MED13L (mediator complex subunit 13L; minus strand). Cytogenetic location: 12q24.21.
Variant type: single nucleotide variant.
Coding change: c.5615G>A on transcript NM_015335.5 (MANE Select); coding-DNA position 5615, G replaced by A.
Protein change: p.Arg1872His; replaces arginine 1872 with histidine.
Molecular consequence: missense variant.
Genome position (GRCh38, 1-based): chr12:115,975,287, C>T on the plus strand (G>A on the coding strand, the complement: MED13L is on the minus strand). VCF-style: chr12-115975287-C-T. GRCh37 (hg19) VCF-style: chr12-116413092-C-T.
Other names: short protein forms R1872H.
Identifiers: ClinVar variation 2107 (VCV000002107.11), dbSNP rs28940310, ClinGen allele CA115347.
Genomic context (GRCh38, chr12:115,975,287, plus strand): 5'-AGAGATGTCATTTGGACAATCCCTATGCACCACTCCCATAACTTCTGTAGTCCAATTTTA[C>T]GTGCAGATACTTTACTCCTCCGTGACCTAACAAATAAAGAAATGGGGAAGGGGAAGGGGT-3'
Protein context (NP_056150.1, residues 1862-1882): NRSRRSKVSA[Arg1872His]KIGLQKLWEW

ClinVar aggregate classification (germline): Uncertain significance. Review status: criteria provided, single submitter (1 of 4 stars). 2 submissions from 2 submitters: Uncertain significance (1). 1 of the submissions does not count toward it. Last evaluated 2018-07-12.

Conditions:
Dextro-looped transposition of the great arteries. Also called: Dextrotransposition of the great arteries. Identifiers: Orphanet 860, MedGen C3531771, MONDO:0019443, OMIM 608808, HP:0031348.

Allele frequency attached by ClinVar (database versions not stated): gnomAD 0.00001 and 0.00002; gnomAD exomes 0.00001; TOPMed 0.00004; 1000 Genomes Project 30x 0.00016; 1000 Genomes Project 0.00020.
gnomAD v4.1: 15 of 1,614,072 alleles (0.00093%); highest among the groups gnomAD compares: East Asian, 0.0045%; no homozygotes.

Submissions (2):

Labcorp Genetics (formerly Invitae), Labcorp
Classification: Uncertain significance for Dextro-looped transposition of the great arteries. Last evaluated: 2018-07-12. Review status: criteria provided, single submitter. Criteria: Invitae Variant Classification Sherloc (09022015). Collection method: clinical testing. Allele origin: germline.
Comment: In summary, the available evidence is currently insufficient to determine the role of this variant in disease. Therefore, it has been classified as a Variant of Uncertain Significance. Algorithms developed to predict the effect of missense changes on protein structure and function are either unavailable or do not agree on the potential impact of this missense change (SIFT: "Tolerated"; PolyPhen-2: "Probably Damaging"; Align-GVGD: "Class C0"). This variant has been observed in an individual affected with MED13L-related disease (PMID: 14638541). ClinVar contains an entry for this variant (Variation ID: 2107). This variant is not present in population databases (ExAC no frequency). This sequence change replaces arginine with histidine at codon 1872 of the MED13L protein (p.Arg1872His). The arginine residue is highly conserved and there is a small physicochemical difference between arginine and histidine.

OMIM
Classification: Uncertain significance for RECLASSIFIED - VARIANT OF UNKNOWN SIGNIFICANCE. Last evaluated: 2003-12-09. Review status: no assertion criteria provided. Collection method: literature only. Allele origin: germline. Not counted in ClinVar's aggregate classification.

Literature cited by the submitters: PubMed 14638541 (cited by Labcorp Genetics (formerly Invitae), Labcorp and OMIM).